The following is an entry in ClinVar:

NM_001385079.1(PDE10A):c.2548G>T (p.Ala850Ser)

Gene: PDE10A (phosphodiesterase 10A; minus strand). Cytogenetic location: 6q27.
Variant type: single nucleotide variant.
Coding change: c.2548G>T on transcript NM_001385079.1 (MANE Select); coding-DNA position 2548, G replaced by T.
Protein change: p.Ala850Ser; replaces alanine 850 with serine.
Molecular consequence: missense variant.
Genome position (GRCh38, 1-based): chr6:165,388,360, C>A on the plus strand (G>T on the coding strand, the complement: PDE10A is on the minus strand). VCF-style: chr6-165388360-C-A. GRCh37 (hg19) VCF-style: chr6-165801849-C-A.
Other names: c.1750G>T, p.Ala584Ser (NM_001130690.3); c.1720G>T, p.Ala574Ser (NM_006661.4); short protein forms A574S, A584S, A850S.
Identifiers: ClinVar variation 5017904 (VCV005017904.1).

ClinVar aggregate classification (germline): Uncertain significance (1 of 4 stars; one submission).

Submission:

GeneDx
Classification: Uncertain significance. Last evaluated: 2026-04-03. Review status: criteria provided, single submitter. Criteria: GeneDx Variant Classification Process June 2021. Collection method: clinical testing. Allele origin: germline.
Comment: In silico analysis suggests that this missense variant does not alter protein structure/function; Not observed at significant frequency in large population cohorts (gnomAD); Has not been previously published as pathogenic or benign to our knowledge